The following is an entry in ClinVar:

ClinVar aggregate classification (germline): Uncertain significance (1 of 4 stars; one submission).

Allele frequency attached by ClinVar (database versions not stated): gnomAD 0.00001; 1000 Genomes Project 0.00020; 1000 Genomes Project 30x 0.00031.
gnomAD v4.1: 2 of 1,614,168 alleles (0.00012%); highest among the groups gnomAD compares: Admixed American, 0.0033%; no homozygotes.

Submission:

Labcorp Genetics (formerly Invitae), Labcorp
Classification: Uncertain significance. Last evaluated: 2023-10-26. Review status: criteria provided, single submitter. Criteria: Invitae Variant Classification Sherloc (09022015). Collection method: clinical testing. Allele origin: germline.
Comment: This sequence change replaces proline, which is neutral and non-polar, with histidine, which is basic and polar, at codon 749 of the SETBP1 protein (p.Pro749His). This variant is not present in population databases (gnomAD no frequency). This variant has not been reported in the literature in individuals affected with SETBP1-related conditions. Advanced modeling of protein sequence and biophysical properties (such as structural, functional, and spatial information, amino acid conservation, physicochemical variation, residue mobility, and thermodynamic stability) performed at Invitae indicates that this missense variant is not expected to disrupt SETBP1 protein function with a negative predictive value of 80%. In summary, the available evidence is currently insufficient to determine the role of this variant in disease. Therefore, it has been classified as a Variant of Uncertain Significance.

NM_015559.3(SETBP1):c.2246C>A (p.Pro749His)

Gene: SETBP1 (SET binding protein 1; plus strand). Cytogenetic location: 18q12.3.
Variant type: single nucleotide variant.
Coding change: c.2246C>A on transcript NM_015559.3 (MANE Select); coding-DNA position 2246, C replaced by A.
Protein change: p.Pro749His; replaces proline 749 with histidine.
Molecular consequence: missense variant.
Genome position (GRCh38, 1-based): chr18:44,951,586, C>A. VCF-style: chr18-44951586-C-A. GRCh37 (hg19) VCF-style: chr18-42531551-C-A.
Other names: c.2246C>A, p.Pro749His (NM_001379141.1, NM_001379142.1, NM_001410862.1); short protein forms P749H.
Identifiers: ClinVar variation 2917334 (VCV002917334.3), dbSNP rs546046887, ClinGen allele CA299698354.